The following is an entry in ClinVar:

NC_000010.10:g.(?_86017629)_(86018395_?)dup

Gene: RGR (retinal G protein coupled receptor; plus strand). Cytogenetic location: 10q23.1.
Variant type: Duplication.
Identifiers: ClinVar variation 1511151 (VCV001511151.4).

ClinVar aggregate classification (germline): Uncertain significance (1 of 4 stars; one submission).

Submission:

Labcorp Genetics (formerly Invitae), Labcorp
Classification: Uncertain significance. Last evaluated: 2023-12-11. Review status: criteria provided, single submitter. Criteria: Invitae Variant Classification Sherloc (09022015). Collection method: clinical testing. Allele origin: germline.
Comment: This variant results in a copy number gain of the genomic region encompassing exon(s) 6-7 of the RGR gene. This region includes the termination codon of the gene. This copy number gain extends beyond the assayed region for this gene and therefore may encompass additional genes. As the precise location of this event is unknown, it may be in tandem or it may be located elsewhere in the genome. This variant has not been reported in the literature in individuals affected with RGR-related conditions. Experimental studies and prediction algorithms are not available or were not evaluated, and the functional significance of this variant is currently unknown. In summary, the available evidence is currently insufficient to determine the role of this variant in disease. Therefore, it has been classified as a Variant of Uncertain Significance.